The following is an entry in ClinVar:

NM_001042424.3(NSD2):c.-29-2A>G

Gene: NSD2 (nuclear receptor binding SET domain protein 2; plus strand). Cytogenetic location: 4p16.3.
Variant type: single nucleotide variant.
Coding change: c.-29-2A>G on transcript NM_001042424.3 (MANE Select); the canonical splice acceptor site of the intron before 29 bases upstream of the start codon, A replaced by G.
Molecular consequence: splice acceptor variant.
Genome position (GRCh38, 1-based): chr4:1,900,624, A>G. VCF-style: chr4-1900624-A-G. GRCh37 (hg19) VCF-style: chr4-1902351-A-G.
Other names: c.-29-2A>G (NM_133330.3, NM_133331.3, NM_133335.4 and 1 more transcripts).
Identifiers: ClinVar variation 3066216 (VCV003066216.1), dbSNP rs2474213584, ClinGen allele CA2740097798.

ClinVar aggregate classification (germline): Uncertain significance (1 of 4 stars; one submission).

Conditions:
Rauch-Steindl syndrome (RAUST). Identifiers: Orphanet 659642, MedGen C5562061, MONDO:0859219, OMIM 619695.

Submission:

MVZ Medizinische Genetik Mainz
Classification: Uncertain significance for Rauch-Steindl syndrome. Last evaluated: 2023-11-29. Review status: criteria provided, single submitter. Criteria: UK Practice Guidelines For Variant Classification V4 01 2020. Collection method: clinical testing. Allele origin: germline. Inheritance: Autosomal dominant inheritance. Affected: yes. Observed: 1 variant allele.
Comment: ACMG Criteria: PVS1_MOD,PM2_SUP